The following is an entry in ClinVar:

ClinVar aggregate classification (germline): Uncertain significance (1 of 4 stars; one submission).

gnomAD v4.1: 1 of 1,609,516 alleles (0.000062%); highest among the groups gnomAD compares: Non-Finnish European, 0.000085%; no homozygotes.

Submission:

Labcorp Genetics (formerly Invitae), Labcorp
Classification: Uncertain significance. Last evaluated: 2024-12-24. Review status: criteria provided, single submitter. Criteria: Invitae Variant Classification Sherloc (09022015). Collection method: clinical testing. Allele origin: germline.
Comment: This sequence change replaces proline, which is neutral and non-polar, with arginine, which is basic and polar, at codon 486 of the COL11A1 protein (p.Pro486Arg). This variant is not present in population databases (gnomAD no frequency). This variant has not been reported in the literature in individuals affected with COL11A1-related conditions. Invitae Evidence Modeling of protein sequence and biophysical properties (such as structural, functional, and spatial information, amino acid conservation, physicochemical variation, residue mobility, and thermodynamic stability) indicates that this missense variant is not expected to disrupt COL11A1 protein function with a negative predictive value of 80%. In summary, the available evidence is currently insufficient to determine the role of this variant in disease. Therefore, it has been classified as a Variant of Uncertain Significance.

NM_001854.4(COL11A1):c.1457C>G (p.Pro486Arg)

Gene: COL11A1 (collagen type XI alpha 1 chain; minus strand). Cytogenetic location: 1p21.1.
Variant type: single nucleotide variant.
Coding change: c.1457C>G on transcript NM_001854.4 (MANE Select); coding-DNA position 1457, C replaced by G.
Protein change: p.Pro486Arg; replaces proline 486 with arginine.
Molecular consequence: missense variant. On other transcripts: non-coding transcript variant (1).
Genome position (GRCh38, 1-based): chr1:103,015,699, G>C on the plus strand (C>G on the coding strand, the complement: COL11A1 is on the minus strand). VCF-style: chr1-103015699-G-C. GRCh37 (hg19) VCF-style: chr1-103481255-G-C.
Other names: c.1340C>G, p.Pro447Arg (NM_001190709.2); c.1493C>G, p.Pro498Arg (NM_080629.3); c.1109C>G, p.Pro370Arg (NM_080630.4); short protein forms P447R, P486R, P498R, P370R.
Identifiers: ClinVar variation 3678933 (VCV003678933.2).